The following is an entry in ClinVar:

ClinVar aggregate classification (germline): Uncertain significance. Review status: criteria provided, multiple submitters, no conflicts (2 of 4 stars). 5 submissions from 4 submitters: Uncertain significance (5). Last evaluated 2025-06-01.

Conditions:
Adams-Oliver syndrome 5 (AOS5). Identifiers: Orphanet 974, MedGen C4014970, MONDO:0014459, OMIM 616028.
Familial thoracic aortic aneurysm and aortic dissection (TAAD). Also called: Thoracic aortic aneurysms and dissections. Identifiers: Orphanet 91387, MedGen C4707243, MONDO:0019625.
Aortic valve disease 1 (AOVD1). Identifiers: MedGen C3887892, MONDO:0024523, OMIM 109730.

Allele frequency attached by ClinVar (database versions not stated): gnomAD exomes below 0.00001.
gnomAD v4.1: 1 of 1,612,958 alleles (0.000062%); highest among the groups gnomAD compares: Non-Finnish European, 0.000085%; no homozygotes.

Submissions (5):

Labcorp Genetics (formerly Invitae), Labcorp
Classification: Uncertain significance for Adams-Oliver syndrome 5. Last evaluated: 2025-06-01. Review status: criteria provided, single submitter. Criteria: Invitae Variant Classification Sherloc (09022015). Collection method: clinical testing. Allele origin: germline.
Comment: This sequence change replaces proline, which is neutral and non-polar, with serine, which is neutral and polar, at codon 1202 of the NOTCH1 protein (p.Pro1202Ser). This variant is not present in population databases (gnomAD no frequency). This variant has not been reported in the literature in individuals affected with NOTCH1-related conditions. ClinVar contains an entry for this variant (Variation ID: 520083). Invitae Evidence Modeling of protein sequence and biophysical properties (such as structural, functional, and spatial information, amino acid conservation, physicochemical variation, residue mobility, and thermodynamic stability) indicates that this missense variant is not expected to disrupt NOTCH1 protein function with a negative predictive value of 80%. In summary, the available evidence is currently insufficient to determine the role of this variant in disease. Therefore, it has been classified as a Variant of Uncertain Significance.

GeneDx
Classification: Uncertain significance. Last evaluated: 2024-02-06. Review status: criteria provided, single submitter. Criteria: GeneDx Variant Classification Process June 2021. Collection method: clinical testing. Allele origin: germline. Affected: yes.
Comment: Not observed at significant frequency in large population cohorts (gnomAD); In silico analysis supports that this missense variant does not alter protein structure/function; Has not been previously published as pathogenic or benign to our knowledge

Genome-Nilou Lab
Classification: Uncertain significance for Adams-Oliver syndrome 5. Last evaluated: 2022-03-15. Review status: criteria provided, single submitter. Criteria: ACMG Guidelines, 2015. Collection method: clinical testing. Allele origin: germline. Affected: no.

Genome-Nilou Lab
Classification: Uncertain significance for Aortic valve disease 1. Last evaluated: 2022-03-15. Review status: criteria provided, single submitter. Criteria: ACMG Guidelines, 2015. Collection method: clinical testing. Allele origin: germline. Affected: no.

Ambry Genetics
Classification: Uncertain significance for Familial thoracic aortic aneurysm and aortic dissection. Last evaluated: 2017-08-21. Review status: criteria provided, single submitter. Criteria: Ambry Variant Classification Scheme 2023. Collection method: clinical testing. Allele origin: germline.
Comment: The p.P1202S variant (also known as c.3604C>T), located in coding exon 22 of the NOTCH1 gene, results from a C to T substitution at nucleotide position 3604. The proline at codon 1202 is replaced by serine, an amino acid with similar properties. This amino acid position is poorly conserved in available vertebrate species. In addition, this alteration is predicted to be tolerated by in silico analysis. Since supporting evidence is limited at this time, the clinical significance of this alteration remains unclear.

NM_017617.5(NOTCH1):c.3604C>T (p.Pro1202Ser)

Gene: NOTCH1 (notch receptor 1; minus strand). Cytogenetic location: 9q34.3.
Variant type: single nucleotide variant.
Coding change: c.3604C>T on transcript NM_017617.5 (MANE Select); coding-DNA position 3604, C replaced by T.
Protein change: p.Pro1202Ser; replaces proline 1202 with serine.
Molecular consequence: missense variant.
Genome position (GRCh38, 1-based): chr9:136,507,344, G>A on the plus strand (C>T on the coding strand, the complement: NOTCH1 is on the minus strand). VCF-style: chr9-136507344-G-A. GRCh37 (hg19) VCF-style: chr9-139401796-G-A.
Other names: c.3604C>T, p.Pro1202Ser (LRG_1122t1); short protein forms P1202S.
Identifiers: ClinVar variation 520083 (VCV000520083.13), dbSNP rs1554728268, ClinGen allele CA375549744.